The following is an entry in ClinVar:

ClinVar aggregate classification (germline): Uncertain significance. Review status: criteria provided, multiple submitters, no conflicts (2 of 4 stars). 2 submissions from 2 submitters: Uncertain significance (2). Last evaluated 2025-08-06.

Conditions:
Adult-onset proximal spinal muscular atrophy, autosomal dominant. Also called: FINKEL LATE-ADULT TYPE SMA; Spinal muscular atrophy, late-onset, finkel type. Identifiers: Orphanet 209335, MedGen C1854058, MONDO:0008453, OMIM 182980.
Amyotrophic lateral sclerosis type 8 (ALS8). Identifiers: Orphanet 803, MedGen C1837728, MONDO:0012077, OMIM 608627.
VAPB-related disorder. Also called: VAPB-related condition.

Allele frequency attached by ClinVar (database versions not stated): gnomAD exomes 0.00001; TOPMed 0.00002; gnomAD 0.00003.
gnomAD v4.1: 16 of 1,613,954 alleles (0.00099%); highest among the groups gnomAD compares: Admixed American, 0.005%; no homozygotes.

Submissions (2):

PreventionGenetics, part of Exact Sciences
Classification: Uncertain significance for VAPB-related condition. Last evaluated: 2025-08-06. Review status: criteria provided, single submitter. Criteria: ACMG Guidelines, 2015. Collection method: clinical testing. Allele origin: germline.
Comment: The VAPB c.104C>T variant is predicted to result in the amino acid substitution p.Pro35Leu. To our knowledge, this variant has not been reported in relation to amyotrophic lateral sclerosis (ALS) or neurodegeneration. This variant is reported in 0.0023% of alleles in individuals of European (Non-Finnish) descent in gnomAD. At this time, the clinical significance of this variant is uncertain due to the absence of conclusive functional and genetic evidence.

Labcorp Genetics (formerly Invitae), Labcorp
Classification: Uncertain significance for Adult-onset proximal spinal muscular atrophy, autosomal dominant; Amyotrophic lateral sclerosis type 8. Last evaluated: 2024-02-13. Review status: criteria provided, single submitter. Criteria: Invitae Variant Classification Sherloc (09022015). Collection method: clinical testing. Allele origin: germline.
Comment: This sequence change replaces proline, which is neutral and non-polar, with leucine, which is neutral and non-polar, at codon 35 of the VAPB protein (p.Pro35Leu). This variant is present in population databases (no rsID available, gnomAD 0.002%). This variant has not been reported in the literature in individuals affected with VAPB-related conditions. ClinVar contains an entry for this variant (Variation ID: 534272). Advanced modeling of protein sequence and biophysical properties (such as structural, functional, and spatial information, amino acid conservation, physicochemical variation, residue mobility, and thermodynamic stability) performed at Invitae indicates that this missense variant is expected to disrupt VAPB protein function with a positive predictive value of 80%. In summary, the available evidence is currently insufficient to determine the role of this variant in disease. Therefore, it has been classified as a Variant of Uncertain Significance.

NM_004738.5(VAPB):c.104C>T (p.Pro35Leu)

Gene: VAPB (VAMP associated protein B and C; plus strand). Cytogenetic location: 20q13.32.
Variant type: single nucleotide variant.
Coding change: c.104C>T on transcript NM_004738.5 (MANE Select); coding-DNA position 104, C replaced by T.
Protein change: p.Pro35Leu; replaces proline 35 with leucine.
Molecular consequence: missense variant. On other transcripts: non-coding transcript variant (1).
Genome position (GRCh38, 1-based): chr20:58,418,256, C>T. VCF-style: chr20-58418256-C-T. GRCh37 (hg19) VCF-style: chr20-56993312-C-T.
Other names: c.104C>T, p.Pro35Leu (NM_001195677.2); short protein forms P35L.
Identifiers: ClinVar variation 534272 (VCV000534272.12), dbSNP rs1456089445, ClinGen allele CA409442392.